The following is an entry in ClinVar:

ClinVar aggregate classification (germline): Benign. Review status: criteria provided, single submitter (1 of 4 stars). 2 submissions from 1 submitter: Benign (2). Last evaluated 2018-01-13.

Conditions:
Autosomal recessive osteopetrosis 7. Identifiers: Orphanet 178389, MedGen C2676766, MONDO:0012859, OMIM 612301.
Paget disease of bone 2, early-onset (PDB2). Also called: Paget disease of bone 2. Identifiers: MedGen C4085251, MONDO:0011183, OMIM 602080.

Allele frequency attached by ClinVar (database versions not stated): 1000 Genomes Project 30x 0.01546; gnomAD 0.01631 and 0.01660; 1000 Genomes Project 0.01677; TOPMed 0.01771.

Submissions (2):

Illumina Laboratory Services, Illumina
Classification: Benign for Paget disease of bone 2, early-onset. Last evaluated: 2018-01-13. Review status: criteria provided, single submitter. Criteria: ICSL Variant Classification Criteria 13 December 2019. Collection method: clinical testing. Allele origin: germline.
Comment: This variant was observed in the ICSL laboratory as part of a predisposition screen in an ostensibly healthy population. It had not been previously curated by ICSL or reported in the Human Gene Mutation Database (HGMD: prior to June 1st, 2018), and was therefore a candidate for classification through an automated scoring system. Utilizing variant allele frequency, disease prevalence and penetrance estimates, and inheritance mode, an automated score was calculated to assess if this variant is too frequent to cause the disease. Based on the score and internal cut-off values, a variant classified as benign is not then subjected to further curation. The score for this variant resulted in a classification of benign for this disease.

Illumina Laboratory Services, Illumina
Classification: Benign for Autosomal recessive osteopetrosis 7. Last evaluated: 2018-01-13. Review status: criteria provided, single submitter. Criteria: ICSL Variant Classification Criteria 13 December 2019. Collection method: clinical testing. Allele origin: germline.
Comment: the same text as in the submission from Illumina Laboratory Services, Illumina above.

NM_003839.4(TNFRSF11A):c.*1913A>G

Gene: TNFRSF11A (TNF receptor superfamily member 11a; plus strand). Cytogenetic location: 18q21.33.
Variant type: single nucleotide variant.
Coding change: c.*1913A>G on transcript NM_003839.4 (MANE Select); 1913 bases downstream of the stop codon, A replaced by G.
Molecular consequence: 3 prime UTR variant.
Genome position (GRCh38, 1-based): chr18:62,386,947, A>G. VCF-style: chr18-62386947-A-G. GRCh37 (hg19) VCF-style: chr18-60054180-A-G.
Other names: c.*2188A>G (NM_001270949.2); c.*1913A>G (NM_001270950.2, NM_001270951.2, NM_001278268.2).
Identifiers: ClinVar variation 889868 (VCV000889868.4), dbSNP rs12721435, ClinGen allele CA301716413.
Genomic context (GRCh38, chr18:62,386,947, plus strand): 5'-ATTTAACATCATCCACAGAGAGATGTTATACAAATGGAGGAAACCATTATACCTTTTGAT[A>G]TGGAATATATTACAGAGTTACAGTTCACAAAGTAGAATGCTGAGCTGAAAACCCGAGTTT-3'